The following is an entry in ClinVar:

ClinVar aggregate classification (germline): Uncertain significance (1 of 4 stars; one submission).

Submission:

Ambry Genetics
Classification: Uncertain significance. Last evaluated: 2021-11-30. Review status: criteria provided, single submitter. Criteria: Ambry Variant Classification Scheme 2023. Collection method: clinical testing. Allele origin: germline.
Comment: The p.I3920T variant (also known as c.11759T>C), located in coding exon 83 of the PRKDC gene, results from a T to C substitution at nucleotide position 11759. The isoleucine at codon 3920 is replaced by threonine, an amino acid with similar properties. This amino acid position is conserved. Since supporting evidence is limited at this time, the clinical significance of this alteration remains unclear.

NM_006904.7(PRKDC):c.11759T>C (p.Ile3920Thr)

Gene: PRKDC (protein kinase, DNA-activated, catalytic subunit; minus strand). Cytogenetic location: 8q11.21.
Variant type: single nucleotide variant.
Coding change: c.11759T>C on transcript NM_006904.7 (MANE Select); coding-DNA position 11759, T replaced by C.
Protein change: p.Ile3920Thr; replaces isoleucine 3920 with threonine.
Molecular consequence: missense variant.
Genome position (GRCh38, 1-based): chr8:47,778,553, A>G on the plus strand (T>C on the coding strand, the complement: PRKDC is on the minus strand). VCF-style: chr8-47778553-A-G. GRCh37 (hg19) VCF-style: chr8-48691114-A-G.
Other names: c.11666T>C, p.Ile3889Thr (NM_001081640.2); short protein forms I3920T, I3889T.
Identifiers: ClinVar variation 1740460 (VCV001740460.2), dbSNP rs2551859894, ClinGen allele CA371128629.